The following is an entry in ClinVar:

ClinVar aggregate classification (germline): Uncertain significance (1 of 4 stars; one submission).

gnomAD v4.1: 1 of 1,613,992 alleles (0.000062%); highest among the groups gnomAD compares: Non-Finnish European, 0.000085%; no homozygotes.

Submission:

ARUP Laboratories, Molecular Genetics and Genomics, ARUP Laboratories
Classification: Uncertain significance. Last evaluated: 2025-07-24. Review status: criteria provided, single submitter. Criteria: ARUP Molecular Germline Variant Investigation Process 2024. Collection method: clinical testing. Allele origin: germline.
Comment: The SPTB c.4981A>T; p.Ile1661Phe variant (rs1049329878), to our knowledge, is not reported in the medical literature or gene specific databases. This variant is also absent from the Genome Aggregation Database (v2.1.1), indicating it is not a common polymorphism. Computational analyses are uncertain whether this variant is neutral or deleterious (REVEL: 0.462). Due to limited information, the clinical significance of this variant is uncertain at this time.

NM_001355436.2(SPTB):c.4981A>T (p.Ile1661Phe)

Gene: SPTB (spectrin beta, erythrocytic; minus strand). Cytogenetic location: 14q23.3.
Variant type: single nucleotide variant.
Coding change: c.4981A>T on transcript NM_001355436.2 (MANE Select); coding-DNA position 4981, A replaced by T.
Protein change: p.Ile1661Phe; replaces isoleucine 1661 with phenylalanine.
Molecular consequence: missense variant.
Genome position (GRCh38, 1-based): chr14:64,773,417, T>A on the plus strand (A>T on the coding strand, the complement: SPTB is on the minus strand). VCF-style: chr14-64773417-T-A. GRCh37 (hg19) VCF-style: chr14-65240135-T-A.
Other names: c.4981A>T, p.Ile1661Phe (NM_001024858.4, NM_001355437.2); short protein forms I1661F.
Identifiers: ClinVar variation 4685979 (VCV004685979.1).
Genomic context (GRCh38, chr14:64,773,417, plus strand): 5'-CTTCCGCCACGTCCTTCAGCCCTGCGTAGTGCTTGTCCACTTGCCCCTGAAGTCTGATGA[T>A]CTGTTCCCTGGAATTCAAAACCAAAAAGGCCCTCAGAGACGGCAGCCACGAACCCAGAGC-3'
Protein context (NP_001342365.1, residues 1651-1671): LSAGHPEGEQ[Ile1661Phe]IRLQGQVDKH